The following is an entry in ClinVar:

NM_014675.5(CROCC):c.564G>A (p.Ser188=)

Gene: CROCC (ciliary rootlet coiled-coil, rootletin; plus strand). Cytogenetic location: 1p36.13.
Variant type: single nucleotide variant.
Coding change: c.564G>A on transcript NM_014675.5 (MANE Select); coding-DNA position 564, G replaced by A.
Protein change: p.Ser188=; no amino-acid change (serine 188 retained).
Molecular consequence: synonymous variant.
Genome position (GRCh38, 1-based): chr1:16,930,150, G>A. VCF-style: chr1-16930150-G-A. GRCh37 (hg19) VCF-style: chr1-17256645-G-A.
Identifiers: ClinVar variation 2638366 (VCV002638366.24), dbSNP rs149095491, ClinGen allele CA634070.

ClinVar aggregate classification (germline): Likely benign (1 of 4 stars; one submission).

Allele frequency attached by ClinVar (database versions not stated): 1000 Genomes Project 0.00060; 1000 Genomes Project 30x 0.00062.
gnomAD v4.1: 1,690 of 1,594,240 alleles (0.11%); highest among the groups gnomAD compares: Non-Finnish European, 0.13%; no homozygotes.

Submission:

CeGaT Center for Human Genetics Tuebingen
Classification: Likely benign. Last evaluated: 2023-04-01. Review status: criteria provided, single submitter. Criteria: CeGaT Center For Human Genetics Tuebingen Variant Classification Criteria Version 2. Collection method: clinical testing. Allele origin: germline. Affected: yes. Observed: 1 variant allele.
Comment: CROCC: BP4, BP7